The following is an entry in ClinVar:

ClinVar aggregate classification (germline): Uncertain significance. Review status: criteria provided, multiple submitters, no conflicts (2 of 4 stars). 6 submissions from 6 submitters: Uncertain significance (4). 2 of the submissions do not count toward it. Last evaluated 2026-01-01.

Conditions:
Spinocerebellar ataxia, autosomal recessive 28. Identifiers: MedGen C5394101, MONDO:0032923, OMIM 618800.
Inborn genetic diseases. Identifiers: MedGen C0950123, MeSH D030342.

Allele frequency attached by ClinVar (database versions not stated): ExAC 0.00040; gnomAD exomes 0.00047 and 0.00061; TOPMed 0.00051; gnomAD 0.00066 and 0.00070; 1000 Genomes Project 30x 0.00016; 1000 Genomes Project 0.00020; ESP Exome Variant Server 0.00031.
gnomAD v4.1: 973 of 1,614,194 alleles (0.06%); highest among the groups gnomAD compares: Admixed American, 0.082%; no homozygotes.

Submissions (7):

CeGaT Center for Human Genetics Tuebingen
Classification: Uncertain significance. Last evaluated: 2026-01-01. Review status: criteria provided, single submitter. Criteria: CeGaT Center For Human Genetics Tuebingen Variant Classification Criteria Version 2. Collection method: clinical testing. Allele origin: germline. Affected: yes. Observed: 1 variant allele.
Comment: THG1L: PM2

Ambry Genetics
Classification: Uncertain significance for Inborn genetic diseases. Last evaluated: 2025-12-03. Review status: criteria provided, single submitter. Criteria: Ambry Variant Classification Scheme 2023. Collection method: clinical testing. Allele origin: germline.

Revvity Omics, Revvity
Classification: Uncertain significance for Spinocerebellar ataxia, autosomal recessive 28. Last evaluated: 2024-11-25. Review status: criteria provided, single submitter. Criteria: ACMG Guidelines, 2015. Collection method: clinical testing. Allele origin: germline.

Mayo Clinic Laboratories, Mayo Clinic
Classification: Uncertain significance. Last evaluated: 2023-02-24. Review status: criteria provided, single submitter. Criteria: ACMG Guidelines, 2015. Collection method: clinical testing. Allele origin: germline. Observed: 1 variant allele.

Clinical Genetics DNA and cytogenetics Diagnostics Lab, Erasmus MC, Erasmus Medical Center
Classification: Uncertain significance. Review status: no assertion criteria provided. Collection method: clinical testing. Allele origin: germline. Affected: yes. Study: VKGL Data-share Consensus. Not counted in ClinVar's aggregate classification.

Dr. Peter K. Rogan Lab, Western University
No classification provided (evidence only). Condition: Gastric cancer. Review status: no classification provided. Collection method: in vitro. Allele origin: not applicable. Functional consequence: retained intron. Not counted in ClinVar's aggregate classification.

Genome Diagnostics Laboratory, Amsterdam University Medical Center
Classification: Uncertain significance. Review status: no assertion criteria provided. Collection method: clinical testing. Allele origin: germline. Affected: yes. Study: VKGL Data-share Consensus. Not counted in ClinVar's aggregate classification.

NM_017872.5(THG1L):c.287A>T (p.Asp96Val)

Gene: THG1L (tRNA-histidine guanylyltransferase 1 like; plus strand). Cytogenetic location: 5q33.3.
Variant type: single nucleotide variant.
Coding change: c.287A>T on transcript NM_017872.5 (MANE Select); coding-DNA position 287, A replaced by T.
Protein change: p.Asp96Val; replaces aspartic acid 96 with valine.
Molecular consequence: missense variant. On other transcripts: 5 prime UTR variant (2).
Genome position (GRCh38, 1-based): chr5:157,732,963, A>T. VCF-style: chr5-157732963-A-T. GRCh37 (hg19) VCF-style: chr5-157159971-A-T.
Other names: p.Asp96Val; NC_000005.9:g.157159971A>T; c.-15A>T (NM_001317824.2); c.-85A>T (NM_001317825.2); c.101A>T, p.Asp34Val (NM_001317826.2); c.287A>T (NM_017872.3); short protein forms D34V, D96V.
Identifiers: ClinVar variation 1210012 (VCV001210012.12), dbSNP rs139588885, ClinGen allele CA3536392.
Genomic context (GRCh38, chr5:157,732,963, plus strand): 5'-ACAGCCGTGCTCTCCAGCTGATGACCAAATGTGCGCAGACTGTGATGGAAGAACTAGAGG[A>T]TATTGTGATCGCGTATGGACAGAGTGATGAGTACAGCTTTGTGTTCAAGCGGAAAACCAA-3'
Protein context (NP_060342.2, residues 86-106): CAQTVMEELE[Asp96Val]IVIAYGQSDE